The following is an entry in ClinVar:

NM_000263.4(NAGLU):c.2201_2204dup (p.Tyr735Ter)

Gene: NAGLU (N-acetyl-alpha-glucosaminidase; plus strand). Cytogenetic location: 17q21.2.
Variant type: Duplication.
Coding change: c.2201_2204dup on transcript NM_000263.4 (MANE Select); coding-DNA positions 2201 to 2204, 4 bases duplicated (ATTA; older notation c.2201_2204dupATTA).
Protein change: p.Tyr735Ter; replaces tyrosine 735 with a stop codon.
Molecular consequence: nonsense.
Genome position (GRCh38, 1-based): chr17:42,544,207-42,544,210, ATTA duplicated. VCF-style (leftmost placement, unchanged base first): chr17-42544206-T-TATTA. GRCh37 (hg19) VCF-style: chr17-40696224-T-TATTA.
Other names: short protein forms Y735*.
Identifiers: ClinVar variation 966565 (VCV000966565.7), dbSNP rs2092930997, ClinGen allele CA1139665543.

ClinVar aggregate classification (germline): Uncertain significance (1 of 4 stars; one submission).

Conditions:
Mucopolysaccharidosis, MPS-III-B (MPS3B). Also called: MPS IIIB (Sanfilippo Syndrome Type B); MUCOPOLYSACCHARIDOSIS, TYPE IIIB; Mucopolysaccharidosis type IIIB (Sanfilippo B); N-ACETYL-ALPHA-D-GLUCOSAMINIDASE DEFICIENCY; NAGLU DEFICIENCY; SANFILIPPO SYNDROME B. Identifiers: Orphanet 79270, MedGen C0086648, MONDO:0009656, OMIM 252920.
Charcot-Marie-Tooth disease axonal type 2V. Also called: CHARCOT-MARIE-TOOTH NEUROPATHY, TYPE 2V; CHARCOT-MARIE-TOOTH DISEASE, AXONAL, AUTOSOMAL DOMINANT, TYPE 2V. Identifiers: Orphanet 447964, MedGen C5569050, MONDO:0014665, OMIM 616491.

Submission:

Labcorp Genetics (formerly Invitae), Labcorp
Classification: Uncertain significance for Charcot-Marie-Tooth disease axonal type 2V; Mucopolysaccharidosis, MPS-III-B. Last evaluated: 2019-10-16. Review status: criteria provided, single submitter. Criteria: Invitae Variant Classification Sherloc (09022015). Collection method: clinical testing. Allele origin: germline.
Comment: In summary, the available evidence is currently insufficient to determine the role of this variant in disease. Therefore, it has been classified as a Variant of Uncertain Significance. This variant has not been reported in the literature in individuals with NAGLU-related conditions. This variant is not present in population databases (ExAC no frequency). This sequence change results in a premature translational stop signal in the NAGLU gene (p.Tyr735*). While this is not anticipated to result in nonsense mediated decay, it is expected to disrupt the last 11 amino acids of the NAGLU protein.